The following is an entry in ClinVar:

NM_016219.5(MAN1B1):c.1377C>T (p.Gly459=)

Gene: MAN1B1 (mannosidase alpha class 1B member 1; plus strand). Cytogenetic location: 9q34.3.
Variant type: single nucleotide variant.
Coding change: c.1377C>T on transcript NM_016219.5 (MANE Select); coding-DNA position 1377, C replaced by T.
Protein change: p.Gly459=; no amino-acid change (glycine 459 retained).
Molecular consequence: synonymous variant. On other transcripts: non-coding transcript variant (2).
Genome position (GRCh38, 1-based): chr9:137,106,247, C>T. VCF-style: chr9-137106247-C-T. GRCh37 (hg19) VCF-style: chr9-140000699-C-T.
Other names: c.1269C>T, p.Gly423= (NM_007230.1); c.1377C>T (NM_016219.4).
Identifiers: ClinVar variation 2053768 (VCV002053768.6), dbSNP rs753346777, ClinGen allele CA5359203.

ClinVar aggregate classification (germline): Likely benign. Review status: criteria provided, single submitter (1 of 4 stars). 2 submissions from 2 submitters: Likely benign (1). 1 of the submissions does not count toward it. Last evaluated 2024-04-10.

Conditions:
MAN1B1-related disorder. Also called: MAN1B1-related disorders; MAN1B1-related condition.
Rafiq syndrome (RAFQS). Identifiers: Orphanet 88616, MedGen C3280127, MONDO:0013624, OMIM 614202.

Allele frequency attached by ClinVar (database versions not stated): TOPMed 0.00003; gnomAD 0.00005; ExAC 0.00006.
gnomAD v4.1: 51 of 1,587,240 alleles (0.0032%); highest among the groups gnomAD compares: South Asian, 0.013%; no homozygotes.

Submissions (2):

Labcorp Genetics (formerly Invitae), Labcorp
Classification: Likely benign for Rafiq syndrome. Last evaluated: 2024-04-10. Review status: criteria provided, single submitter. Criteria: Invitae Variant Classification Sherloc (09022015). Collection method: clinical testing. Allele origin: germline.

PreventionGenetics, part of Exact Sciences
Classification: Likely benign for MAN1B1-related condition. Last evaluated: 2019-06-06. Review status: no assertion criteria provided. Collection method: clinical testing. Allele origin: germline. Not counted in ClinVar's aggregate classification.
Comment: This variant is classified as likely benign based on ACMG/AMP sequence variant interpretation guidelines (Richards et al. 2015 PMID: 25741868, with internal and published modifications).